The following is an entry in ClinVar:

NM_002860.4(ALDH18A1):c.1040A>G (p.Lys347Arg)

Gene: ALDH18A1 (aldehyde dehydrogenase 18 family member A1; minus strand). Cytogenetic location: 10q24.1.
Variant type: single nucleotide variant.
Coding change: c.1040A>G on transcript NM_002860.4 (MANE Select); coding-DNA position 1040, A replaced by G.
Protein change: p.Lys347Arg; replaces lysine 347 with arginine.
Molecular consequence: missense variant.
Genome position (GRCh38, 1-based): chr10:95,627,480, T>C on the plus strand (A>G on the coding strand, the complement: ALDH18A1 is on the minus strand). VCF-style: chr10-95627480-T-C. GRCh37 (hg19) VCF-style: chr10-97387237-T-C.
Other names: c.1034A>G, p.Lys345Arg (NM_001017423.2, NM_001323415.2); c.707A>G, p.Lys236Arg (NM_001323412.2, NM_001323416.2); c.1040A>G, p.Lys347Arg (NM_001323413.2, NM_001323414.2); c.935A>G, p.Lys312Arg (NM_001323417.2); c.701A>G, p.Lys234Arg (NM_001323418.2); c.404A>G, p.Lys135Arg (NM_001323419.2); short protein forms K135R, K345R, K234R, K312R, K347R, K236R.
Identifiers: ClinVar variation 4783430 (VCV004783430.1).

ClinVar aggregate classification (germline): Uncertain significance (1 of 4 stars; one submission).

Conditions:
Cutis laxa, autosomal dominant 3 (ADCL3). Identifiers: Orphanet 90348, MedGen C4225268, MONDO:0014706, OMIM 616603.
Autosomal dominant spastic paraplegia type 9. Identifiers: MedGen C1832669, MONDO:0015091.
de Barsy syndrome. Also called: Cutis laxa-corneal clouding-oligophrenia syndrome. Identifiers: Orphanet 2962, MedGen C0268354, MONDO:0017569.

Submission:

Labcorp Genetics (formerly Invitae), Labcorp
Classification: Uncertain significance for Autosomal dominant spastic paraplegia type 9; de Barsy syndrome; Cutis laxa, autosomal dominant 3. Last evaluated: 2025-04-11. Review status: criteria provided, single submitter. Criteria: Invitae Variant Classification Sherloc (09022015). Collection method: clinical testing. Allele origin: germline.
Comment: This sequence change replaces lysine, which is basic and polar, with arginine, which is basic and polar, at codon 347 of the ALDH18A1 protein (p.Lys347Arg). This variant is not present in population databases (gnomAD no frequency). This variant has not been reported in the literature in individuals affected with ALDH18A1-related conditions. Invitae Evidence Modeling of protein sequence and biophysical properties (such as structural, functional, and spatial information, amino acid conservation, physicochemical variation, residue mobility, and thermodynamic stability) indicates that this missense variant is not expected to disrupt ALDH18A1 protein function with a negative predictive value of 95%. In summary, the available evidence is currently insufficient to determine the role of this variant in disease. Therefore, it has been classified as a Variant of Uncertain Significance.